The following is an entry in ClinVar:

NM_007074.4(CORO1A):c.248_249del (p.Pro83fs)

Gene: CORO1A (coronin 1A; plus strand). Cytogenetic location: 16p11.2.
Variant type: Deletion.
Coding change: c.248_249del on transcript NM_007074.4 (MANE Select); coding-DNA positions 248 to 249, 2 bases deleted (CT; older notation c.248_249delCT).
Protein change: p.Pro83fs; shifts the reading frame from proline 83.
Molecular consequence: frameshift variant.
Genome position (GRCh38, 1-based): chr16:30,186,647-30,186,648, CT deleted. VCF-style (leftmost placement, unchanged base first): chr16-30186646-CCT-C. GRCh37 (hg19) VCF-style: chr16-30197967-CCT-C.
Other names: c.248_249del, p.Pro83fs (NM_001193333.3); short protein forms P83fs.
Identifiers: ClinVar variation 40886 (VCV000040886.7), dbSNP rs606231246, ClinGen allele CA249856.

ClinVar aggregate classification (germline): Pathogenic. Review status: criteria provided, single submitter (1 of 4 stars). 2 submissions from 2 submitters: Pathogenic (1). 1 of the submissions does not count toward it. Last evaluated 2025-11-12.

Conditions:
Severe combined immunodeficiency due to CORO1A deficiency. Also called: Immunodeficiency 8; IMMUNODEFICIENCY 8 WITH LYMPHOPROLIFERATION. Identifiers: Orphanet 228003, MedGen C3809383, MONDO:0014168, OMIM 615401.

Allele frequency attached by ClinVar (database versions not stated): gnomAD exomes 0.00001.

Submissions (2):

Labcorp Genetics (formerly Invitae), Labcorp
Classification: Pathogenic for Severe combined immunodeficiency due to CORO1A deficiency. Last evaluated: 2025-11-12. Review status: criteria provided, single submitter. Criteria: Invitae Variant Classification Sherloc (09022015). Collection method: clinical testing. Allele origin: germline.
Comment: This sequence change creates a premature translational stop signal (p.Pro83Argfs*11) in the CORO1A gene. It is expected to result in an absent or disrupted protein product. Loss-of-function variants in CORO1A are known to be pathogenic (PMID: 18836449, 25073507). This variant is not present in population databases (gnomAD no frequency). This premature translational stop signal has been observed in individual(s) with severe combined immunodeficiency (SCID) (PMID: 18836449, 27577878). In at least one individual the data is consistent with being in trans (on the opposite chromosome) from a pathogenic variant. ClinVar contains an entry for this variant (Variation ID: 40886). For these reasons, this variant has been classified as Pathogenic.

OMIM
Classification: Pathogenic for IMMUNODEFICIENCY 8 WITH LYMPHOPROLIFERATION. Last evaluated: 2014-10-01. Review status: no assertion criteria provided. Collection method: literature only. Allele origin: germline. Not counted in ClinVar's aggregate classification.

Literature cited by the submitters: PubMed 18836449 (cited by Labcorp Genetics (formerly Invitae), Labcorp and OMIM); PubMed 25073507 (cited by Labcorp Genetics (formerly Invitae), Labcorp and OMIM); PubMed 27577878 (cited by Labcorp Genetics (formerly Invitae), Labcorp); PubMed 19097825 (cited by OMIM).